The following is an entry in ClinVar:

NM_001852.4(COL9A2):c.1883_1891dup (p.Gly630_Gln631insArgProGly)

Gene: COL9A2 (collagen type IX alpha 2 chain; minus strand). Cytogenetic location: 1p34.2.
Variant type: Duplication.
Coding change: c.1883_1891dup on transcript NM_001852.4 (MANE Select); coding-DNA positions 1883 to 1891, 9 bases duplicated (GGCCTGGCC; older notation c.1883_1891dupGGCCTGGCC).
Protein change: p.Gly630_Gln631insArgProGly.
Molecular consequence: inframe insertion.
Genome position (GRCh38, 1-based): chr1:40,301,361-40,301,369, GGCCAGGCC duplicated on the plus strand (GGCCTGGCC on the coding strand, the reverse complement: COL9A2 is on the minus strand); duplicating any 9 consecutive bases within chr1:40,301,361-40,301,376 gives the same sequence; the c. name uses the placement nearest the transcript's 3' end. VCF-style (leftmost placement, unchanged base first): chr1-40301360-T-TGGCCAGGCC. GRCh37 (hg19) VCF-style: chr1-40767032-T-TGGCCAGGCC.
Other names: c.1883_1891dupGGCCTGGCC (NM_001852.4).
Identifiers: ClinVar variation 2964842 (VCV002964842.4), dbSNP rs1643912953, ClinGen allele CA913074778.

ClinVar aggregate classification (germline): Uncertain significance. Review status: criteria provided, multiple submitters, no conflicts (2 of 4 stars). 2 submissions from 2 submitters: Uncertain significance (2). Last evaluated 2024-12-09.

Submissions (2):

Women's Health and Genetics/Laboratory Corporation of America, LabCorp
Classification: Uncertain significance. Last evaluated: 2024-12-09. Review status: criteria provided, single submitter. Criteria: LabCorp Variant Classification Summary - May 2015. Collection method: clinical testing. Allele origin: germline.
Comment: Variant summary: COL9A2 c.1883_1891dupGGCCTGGCC (p.Arg628_Gly630dup) results in an in-frame duplication that is predicted to duplicate three amino acids into the encoded protein. The variant was absent in 246654 control chromosomes. The available data on variant occurrences in the general population are insufficient to allow any conclusion about variant significance. To our knowledge, no occurrence of c.1883_1891dupGGCCTGGCC in individuals affected with Epiphyseal dysplasia, multiple, 2 and no experimental evidence demonstrating its impact on protein function have been reported. ClinVar contains an entry for this variant (Variation ID: 2964842). Based on the evidence outlined above, the variant was classified as uncertain significance.

Labcorp Genetics (formerly Invitae), Labcorp
Classification: Uncertain significance. Last evaluated: 2024-08-29. Review status: criteria provided, single submitter. Criteria: Invitae Variant Classification Sherloc (09022015). Collection method: clinical testing. Allele origin: germline.
Comment: This variant, c.1883_1891dup, results in the insertion of 3 amino acid(s) of the COL9A2 protein (p.Arg628_Gly630dup), but otherwise preserves the integrity of the reading frame. This variant is not present in population databases (gnomAD no frequency). This variant has not been reported in the literature in individuals affected with COL9A2-related conditions. In summary, the available evidence is currently insufficient to determine the role of this variant in disease. Therefore, it has been classified as a Variant of Uncertain Significance.